The following is an entry in ClinVar:

NM_002180.3(IGHMBP2):c.2782G>A (p.Glu928Lys)

Gene: IGHMBP2 (immunoglobulin mu DNA binding protein 2; plus strand). Cytogenetic location: 11q13.3.
Variant type: single nucleotide variant.
Coding change: c.2782G>A on transcript NM_002180.3 (MANE Select); coding-DNA position 2782, G replaced by A.
Protein change: p.Glu928Lys; replaces glutamic acid 928 with lysine.
Molecular consequence: missense variant.
Genome position (GRCh38, 1-based): chr11:68,938,352, G>A. VCF-style: chr11-68938352-G-A. GRCh37 (hg19) VCF-style: chr11-68705820-G-A.
Other names: short protein forms E928K.
Identifiers: ClinVar variation 258573 (VCV000258573.22), dbSNP rs2275996, ClinGen allele CA6154002.

ClinVar aggregate classification (germline): Benign. Review status: criteria provided, multiple submitters, no conflicts (2 of 4 stars). 10 submissions from 10 submitters: Benign (8). 2 of the submissions do not count toward it. Last evaluated 2026-02-03.

Conditions:
Charcot-Marie-Tooth disease axonal type 2S. Also called: CHARCOT-MARIE-TOOTH DISEASE, AXONAL, AUTOSOMAL RECESSIVE, TYPE 2S; CHARCOT-MARIE-TOOTH NEUROPATHY, TYPE 2S. Identifiers: Orphanet 443073, MedGen C4015349, MONDO:0014511, OMIM 616155.
Autosomal recessive distal spinal muscular atrophy 1. Also called: NEURONOPATHY, SEVERE INFANTILE AXONAL, WITH RESPIRATORY FAILURE; SEVERE INFANTILE AXONAL NEUROPATHY WITH RESPIRATORY FAILURE; SPINAL MUSCULAR ATROPHY, DIAPHRAGMATIC; Spinal muscular atrophy with respiratory distress 1; HMN VI; NEURONOPATHY, DISTAL HEREDITARY MOTOR, HARDING TYPE VI. Identifiers: Orphanet 98920, MedGen C1858517, MONDO:0011436, OMIM 604320.
Charcot-Marie-Tooth disease. Also called: Charcot-Marie-Tooth Hereditary Neuropathy; Charcot-Marie-Tooth Neuropathy. Identifiers: Orphanet 166, MedGen C0007959, MONDO:0015626.

Allele frequency attached by ClinVar (database versions not stated): 1000 Genomes Project 0.02356; 1000 Genomes Project 30x 0.02389; ESP Exome Variant Server 0.00193; TOPMed 0.01266; gnomAD exomes 0.01849 and 0.00553; ExAC 0.02034; gnomAD 0.00707 and 0.00821.
gnomAD v4.1: 9,282 of 1,607,640 alleles (0.58%); highest among the groups gnomAD compares: East Asian, 8.6%; 374 homozygotes.

Submissions (10):

Labcorp Genetics (formerly Invitae), Labcorp
Classification: Benign for Autosomal recessive distal spinal muscular atrophy 1; Charcot-Marie-Tooth disease axonal type 2S. Last evaluated: 2026-02-03. Review status: criteria provided, single submitter. Criteria: Invitae Variant Classification Sherloc (09022015). Collection method: clinical testing. Allele origin: germline.

Illumina Laboratory Services, Illumina
Classification: Benign for Autosomal recessive distal spinal muscular atrophy 1. Last evaluated: 2018-01-13. Review status: criteria provided, single submitter. Criteria: ICSL Variant Classification Criteria 13 December 2019. Collection method: clinical testing. Allele origin: germline.
Comment: This variant was observed in the ICSL laboratory as part of a predisposition screen in an ostensibly healthy population. It had not been previously curated by ICSL or reported in the Human Gene Mutation Database (HGMD: prior to June 1st, 2018), and was therefore a candidate for classification through an automated scoring system. Utilizing variant allele frequency, disease prevalence and penetrance estimates, and inheritance mode, an automated score was calculated to assess if this variant is too frequent to cause the disease. Based on the score and internal cut-off values, a variant classified as benign is not then subjected to further curation. The score for this variant resulted in a classification of benign for this disease.

Athena Diagnostics
Classification: Benign. Last evaluated: 2017-09-20. Review status: criteria provided, single submitter. Criteria: Athena Diagnostics Criteria. Collection method: clinical testing. Allele origin: germline.

Mayo Clinic Laboratories, Mayo Clinic
Classification: Benign. Last evaluated: 2016-06-15. Review status: criteria provided, single submitter. Criteria: ACMG Guidelines, 2015. Collection method: clinical testing. Allele origin: germline. Observed: 21 variant alleles.

GeneDx
Classification: Benign. Last evaluated: 2015-03-03. Review status: criteria provided, single submitter. Criteria: GeneDx Variant Classification Process June 2021. Collection method: clinical testing. Allele origin: germline. Affected: yes.

Breakthrough Genomics
Classification: Benign. Review status: criteria provided, single submitter. Criteria: ACMG Guidelines, 2015. Collection method: not provided. Allele origin: germline. Inheritance: Autosomal recessive inheritance. Affected: yes.

Molecular Genetics Laboratory, London Health Sciences Centre
Classification: Benign for Charcot-Marie-Tooth disease. Review status: criteria provided, single submitter. Criteria: ACMG Guidelines, 2015. Collection method: clinical testing. Allele origin: germline. Affected: yes.

PreventionGenetics, part of Exact Sciences
Classification: Benign. Review status: criteria provided, single submitter. Criteria: ACMG Guidelines, 2015. Collection method: clinical testing. Allele origin: germline.

Clinical Genetics, Academic Medical Center
Classification: Benign. Review status: no assertion criteria provided. Collection method: clinical testing. Allele origin: germline. Affected: yes. Study: VKGL Data-share Consensus. Not counted in ClinVar's aggregate classification.

Laboratory of Diagnostic Genome Analysis, Leiden University Medical Center (LUMC)
Classification: Likely benign. Review status: no assertion criteria provided. Collection method: clinical testing. Allele origin: germline. Affected: yes. Study: VKGL Data-share Consensus. Not counted in ClinVar's aggregate classification.

Literature cited by the submitters: PubMed 15599641 (cited by Athena Diagnostics); PubMed 20031928 (cited by Athena Diagnostics).